The following is an entry in ClinVar:

NM_033380.3(COL4A5):c.760G>T (p.Glu254Ter)

Gene: COL4A5 (collagen type IV alpha 5 chain; plus strand). Cytogenetic location: Xq22.3.
Variant type: single nucleotide variant.
Coding change: c.760G>T on transcript NM_033380.3 (MANE Select); coding-DNA position 760, G replaced by T.
Protein change: p.Glu254Ter; replaces glutamic acid 254 with a stop codon.
Molecular consequence: nonsense.
Genome position (GRCh38, 1-based): chrX:108,578,363, G>T. VCF-style: chrX-108578363-G-T. GRCh37 (hg19) VCF-style: chrX-107821593-G-T.
Other names: c.760G>T, p.Glu254Ter (NM_000495.5); short protein forms E254*.
Identifiers: ClinVar variation 2864159 (VCV002864159.3), dbSNP rs2524236343, ClinGen allele CA413924479.

ClinVar aggregate classification (germline): Pathogenic (1 of 4 stars; one submission).

Submission:

Labcorp Genetics (formerly Invitae), Labcorp
Classification: Pathogenic. Last evaluated: 2025-06-12. Review status: criteria provided, single submitter. Criteria: Invitae Variant Classification Sherloc (09022015). Collection method: clinical testing. Allele origin: germline.
Comment: This sequence change creates a premature translational stop signal (p.Glu254*) in the COL4A5 gene. It is expected to result in an absent or disrupted protein product. Loss-of-function variants in COL4A5 are known to be pathogenic (PMID: 9195222, 10752524, 14514738, 24854265, 26809805). This variant is not present in population databases (gnomAD no frequency). This variant has not been reported in the literature in individuals affected with COL4A5-related conditions. ClinVar contains an entry for this variant (Variation ID: 2864159). For these reasons, this variant has been classified as Pathogenic.

Literature cited by the submitters: PubMed 9195222; PubMed 10752524; PubMed 14514738; PubMed 24854265; PubMed 26809805.